The following is an entry in ClinVar:

ClinVar aggregate classification (germline): Uncertain significance (1 of 4 stars; one submission).

Allele frequency attached by ClinVar (database versions not stated): gnomAD exomes below 0.00001; gnomAD 0.00001; TOPMed 0.00001.
gnomAD v4.1: 3 of 1,614,098 alleles (0.00019%); highest among the groups gnomAD compares: Non-Finnish European, 0.00025%; no homozygotes.

Submission:

Labcorp Genetics (formerly Invitae), Labcorp
Classification: Uncertain significance. Last evaluated: 2022-03-04. Review status: criteria provided, single submitter. Criteria: Invitae Variant Classification Sherloc (09022015). Collection method: clinical testing. Allele origin: germline.
Comment: Algorithms developed to predict the effect of missense changes on protein structure and function (SIFT, PolyPhen-2, Align-GVGD) all suggest that this variant is likely to be tolerated. In summary, the available evidence is currently insufficient to determine the role of this variant in disease. Therefore, it has been classified as a Variant of Uncertain Significance. This variant has not been reported in the literature in individuals affected with PRPF8-related conditions. This variant is not present in population databases (gnomAD no frequency). This sequence change replaces valine, which is neutral and non-polar, with isoleucine, which is neutral and non-polar, at codon 1168 of the PRPF8 protein (p.Val1168Ile).

NM_006445.4(PRPF8):c.3502G>A (p.Val1168Ile)

Gene: PRPF8 (pre-mRNA processing factor 8; minus strand). Cytogenetic location: 17p13.3.
Variant type: single nucleotide variant.
Coding change: c.3502G>A on transcript NM_006445.4 (MANE Select); coding-DNA position 3502, G replaced by A.
Protein change: p.Val1168Ile; replaces valine 1168 with isoleucine.
Molecular consequence: missense variant.
Genome position (GRCh38, 1-based): chr17:1,673,512, C>T on the plus strand (G>A on the coding strand, the complement: PRPF8 is on the minus strand). VCF-style: chr17-1673512-C-T. GRCh37 (hg19) VCF-style: chr17-1576806-C-T.
Other names: short protein forms V1168I.
Identifiers: ClinVar variation 1948377 (VCV001948377.5), dbSNP rs1043490963, ClinGen allele CA286804344.